The following is an entry in ClinVar:

NM_206933.4(USH2A):c.2076T>A (p.Ser692Arg)

Gene: USH2A (usherin; minus strand). Cytogenetic location: 1q41.
Variant type: single nucleotide variant.
Coding change: c.2076T>A on transcript NM_206933.4 (MANE Select); coding-DNA position 2076, T replaced by A.
Protein change: p.Ser692Arg; replaces serine 692 with arginine.
Molecular consequence: missense variant.
Genome position (GRCh38, 1-based): chr1:216,250,994, A>T on the plus strand (T>A on the coding strand, the complement: USH2A is on the minus strand). VCF-style: chr1-216250994-A-T. GRCh37 (hg19) VCF-style: chr1-216424336-A-T.
Other names: c.2076T>A, p.Ser692Arg (NM_007123.6); short protein forms S692R.
Identifiers: ClinVar variation 3252202 (VCV003252202.1), dbSNP rs781608408.

ClinVar aggregate classification (germline): Uncertain significance (1 of 4 stars; one submission).

Allele frequency attached by ClinVar (database versions not stated): gnomAD exomes below 0.00001; ExAC 0.00001.
gnomAD v4.1: 1 of 1,614,060 alleles (0.000062%); highest among the groups gnomAD compares: African/African-American, 0.0013%; no homozygotes.

Submission:

GeneDx
Classification: Uncertain significance. Last evaluated: 2023-06-12. Review status: criteria provided, single submitter. Criteria: GeneDx Variant Classification Process June 2021. Collection method: clinical testing. Allele origin: germline. Affected: yes.
Comment: Not observed at significant frequency in large population cohorts (gnomAD); In silico analysis supports that this missense variant does not alter protein structure/function; Has not been previously published as pathogenic or benign to our knowledge